The following is an entry in ClinVar:

NM_017813.5(BPNT2):c.*1693A>C

Gene: BPNT2 (3'(2'), 5'-bisphosphate nucleotidase 2; minus strand). Cytogenetic location: 8q12.1.
Variant type: single nucleotide variant.
Coding change: c.*1693A>C on transcript NM_017813.5 (MANE Select); 1693 bases downstream of the stop codon, A replaced by C.
Molecular consequence: 3 prime UTR variant.
Genome position (GRCh38, 1-based): chr8:56,962,100, T>G on the plus strand (A>C on the coding strand, the complement: BPNT2 is on the minus strand). VCF-style: chr8-56962100-T-G. GRCh37 (hg19) VCF-style: chr8-57874659-T-G.
Identifiers: ClinVar variation 363377 (VCV000363377.5), dbSNP rs182912899, ClinGen allele CA10628030.

ClinVar aggregate classification (germline): Likely benign (1 of 4 stars; one submission).

Conditions:
Chondrodysplasia with joint dislocations, gPAPP type. Also called: GPAPP DEFICIENCY. Identifiers: Orphanet 280586, MedGen C3279757, MONDO:0013561, OMIM 614078.

Allele frequency attached by ClinVar (database versions not stated): 1000 Genomes Project 0.00319; 1000 Genomes Project 30x 0.00344; gnomAD 0.00373 and 0.00408; TOPMed 0.00395.

Submission:

Illumina Laboratory Services, Illumina
Classification: Likely benign for Chondrodysplasia with joint dislocations, gPAPP type. Last evaluated: 2018-01-13. Review status: criteria provided, single submitter. Criteria: ICSL Variant Classification Criteria 13 December 2019. Collection method: clinical testing. Allele origin: germline.
Comment: This variant was observed in the ICSL laboratory as part of a predisposition screen in an ostensibly healthy population. It had not been previously curated by ICSL or reported in the Human Gene Mutation Database (HGMD: prior to June 1st, 2018), and was therefore a candidate for classification through an automated scoring system. Utilizing variant allele frequency, disease prevalence and penetrance estimates, and inheritance mode, an automated score was calculated to assess if this variant is too frequent to cause the disease. Based on the score and internal cut-off values, a variant classified as likely benign is not then subjected to further curation. The score for this variant resulted in a classification of likely benign for this disease.